The following is an entry in ClinVar:

NM_005535.3(IL12RB1):c.134C>T (p.Ser45Leu)

Gene: IL12RB1 (interleukin 12 receptor subunit beta 1; minus strand). Cytogenetic location: 19p13.11.
Variant type: single nucleotide variant.
Coding change: c.134C>T on transcript NM_005535.3 (MANE Select); coding-DNA position 134, C replaced by T.
Protein change: p.Ser45Leu; replaces serine 45 with leucine.
Molecular consequence: missense variant.
Genome position (GRCh38, 1-based): chr19:18,082,255, G>A on the plus strand (C>T on the coding strand, the complement: IL12RB1 is on the minus strand). VCF-style: chr19-18082255-G-A. GRCh37 (hg19) VCF-style: chr19-18193065-G-A.
Other names: c.134C>T, p.Ser45Leu (NM_001290023.2, NM_153701.3); c.254C>T, p.Ser85Leu (NM_001290024.2); short protein forms S45L, S85L.
Identifiers: ClinVar variation 661510 (VCV000661510.7), dbSNP rs150070244, ClinGen allele CA9305325.

ClinVar aggregate classification (germline): Uncertain significance (1 of 4 stars; one submission).

Conditions:
Mendelian susceptibility to mycobacterial diseases due to complete IL12RB1 deficiency. Also called: IL12RB1 DEFICIENCY; Immunodeficiency 30. Identifiers: Orphanet 319552, MedGen C4013949, MONDO:0013955, OMIM 614891.

Allele frequency attached by ClinVar (database versions not stated): TOPMed 0.00002; ExAC 0.00003; gnomAD 0.00003; ESP Exome Variant Server 0.00008; gnomAD exomes 0.00002.
gnomAD v4.1: 39 of 1,607,114 alleles (0.0024%); highest among the groups gnomAD compares: Non-Finnish European, 0.0029%; no homozygotes.

Submission:

Labcorp Genetics (formerly Invitae), Labcorp
Classification: Uncertain significance for Mendelian susceptibility to mycobacterial diseases due to complete IL12RB1 deficiency. Last evaluated: 2026-01-05. Review status: criteria provided, single submitter. Criteria: Invitae Variant Classification Sherloc (09022015). Collection method: clinical testing. Allele origin: germline.
Comment: This sequence change replaces serine, which is neutral and polar, with leucine, which is neutral and non-polar, at codon 45 of the IL12RB1 protein (p.Ser45Leu). This variant is present in population databases (rs150070244, gnomAD 0.005%). This variant has not been reported in the literature in individuals affected with IL12RB1-related conditions. ClinVar contains an entry for this variant (Variation ID: 661510). Invitae Evidence Modeling of protein sequence and biophysical properties (such as structural, functional, and spatial information, amino acid conservation, physicochemical variation, residue mobility, and thermodynamic stability) indicates that this missense variant is not expected to disrupt IL12RB1 protein function with a negative predictive value of 80%. In summary, the available evidence is currently insufficient to determine the role of this variant in disease. Therefore, it has been classified as a Variant of Uncertain Significance.